The following is an entry in ClinVar:

NM_001113491.2(SEPTIN9):c.1453C>T (p.Arg485Trp)

Gene: SEPTIN9 (septin 9; plus strand). Cytogenetic location: 17q25.3.
Variant type: single nucleotide variant.
Coding change: c.1453C>T on transcript NM_001113491.2 (MANE Select); coding-DNA position 1453, C replaced by T.
Protein change: p.Arg485Trp; replaces arginine 485 with tryptophan.
Molecular consequence: missense variant.
Genome position (GRCh38, 1-based): chr17:77,492,693, C>T. VCF-style: chr17-77492693-C-T. GRCh37 (hg19) VCF-style: chr17-75488775-C-T.
Other names: c.1399C>T (NM_006640.4); c.961C>T, p.Arg321Trp (NM_001113492.2, NM_001113494.1); c.1432C>T, p.Arg478Trp (NM_001113493.2); c.700C>T, p.Arg234Trp (NM_001113495.2, NM_001113496.2, NM_001293697.2 and 1 more transcripts); c.1396C>T, p.Arg466Trp (NM_001293695.2); c.781C>T, p.Arg261Trp (NM_001293696.2); c.1399C>T, p.Arg467Trp (NM_006640.5); short protein forms R234W, R261W, R321W, R466W, R467W, R478W, R485W.
Identifiers: ClinVar variation 3622442 (VCV003622442.3).

ClinVar aggregate classification (germline): Uncertain significance. Review status: criteria provided, multiple submitters, no conflicts (2 of 4 stars). 2 submissions from 2 submitters: Uncertain significance (2). Last evaluated 2025-11-11.

Conditions:
Inborn genetic diseases. Identifiers: MedGen C0950123, MeSH D030342.

gnomAD v4.1: 7 of 1,613,924 alleles (0.00043%); highest among the groups gnomAD compares: Non-Finnish European, 0.00059%; no homozygotes.

Submissions (2):

Ambry Genetics
Classification: Uncertain significance for Inborn genetic diseases. Last evaluated: 2025-11-11. Review status: criteria provided, single submitter. Criteria: Ambry Variant Classification Scheme 2023. Collection method: clinical testing. Allele origin: germline.

Labcorp Genetics (formerly Invitae), Labcorp
Classification: Uncertain significance. Last evaluated: 2024-06-08. Review status: criteria provided, single submitter. Criteria: Invitae Variant Classification Sherloc (09022015). Collection method: clinical testing. Allele origin: germline.
Comment: This sequence change replaces arginine, which is basic and polar, with tryptophan, which is neutral and slightly polar, at codon 467 of the SEPT9 protein (p.Arg467Trp). This variant is present in population databases (no rsID available, gnomAD 0.01%). This variant has not been reported in the literature in individuals affected with SEPT9-related conditions. Advanced modeling of protein sequence and biophysical properties (such as structural, functional, and spatial information, amino acid conservation, physicochemical variation, residue mobility, and thermodynamic stability) performed at Invitae indicates that this missense variant is expected to disrupt SEPT9 protein function with a positive predictive value of 80%. In summary, the available evidence is currently insufficient to determine the role of this variant in disease. Therefore, it has been classified as a Variant of Uncertain Significance.